The following is an entry in ClinVar:

NM_000138.5(FBN1):c.122G>C (p.Arg41Pro)

Gene: FBN1 (fibrillin 1; minus strand). Cytogenetic location: 15q21.1.
Variant type: single nucleotide variant.
Coding change: c.122G>C on transcript NM_000138.5 (MANE Select); coding-DNA position 122, G replaced by C.
Protein change: p.Arg41Pro; replaces arginine 41 with proline.
Molecular consequence: missense variant.
Genome position (GRCh38, 1-based): chr15:48,644,648, C>G on the plus strand (G>C on the coding strand, the complement: FBN1 is on the minus strand). VCF-style: chr15-48644648-C-G. GRCh37 (hg19) VCF-style: chr15-48936845-C-G.
Other names: short protein forms R41P.
Identifiers: ClinVar variation 1369491 (VCV001369491.6), dbSNP rs1890259872, ClinGen allele CA392453588.

ClinVar aggregate classification (germline): Uncertain significance (1 of 4 stars; one submission).

Conditions:
Marfan syndrome (MFS). Also called: Marfan syndrome type 1; Marfan's syndrome; FBN1-Related Marfan Syndrome; MARFAN SYNDROME, TYPE I; Marfan syndrome, classic. Identifiers: Orphanet 284963, Orphanet 558, MedGen C0024796, MONDO:0007947, OMIM 154700.
Familial thoracic aortic aneurysm and aortic dissection (TAAD). Also called: Thoracic aortic aneurysms and dissections. Identifiers: Orphanet 91387, MedGen C4707243, MONDO:0019625.

Allele frequency attached by ClinVar (database versions not stated): TOPMed below 0.00001.

Submission:

Labcorp Genetics (formerly Invitae), Labcorp
Classification: Uncertain significance for Marfan syndrome; Familial thoracic aortic aneurysm and aortic dissection. Last evaluated: 2021-10-20. Review status: criteria provided, single submitter. Criteria: Invitae Variant Classification Sherloc (09022015). Collection method: clinical testing. Allele origin: germline.
Comment: This sequence change replaces arginine, a(n) basic and polar amino acid, with proline, a(n) neutral and non-polar amino acid, at codon 41 of the FBN1 protein (p.Arg41Pro). This variant is not present in population databases (gnomAD no frequency). This variant has not been reported in the literature in individuals affected with FBN1-related conditions. Algorithms developed to predict the effect of missense changes on protein structure and function are either unavailable or do not agree on the potential impact of this missense change (SIFT: "Deleterious"; PolyPhen-2: "Benign"; Align-GVGD: "Class C0"). In summary, the available evidence is currently insufficient to determine the role of this variant in disease. Therefore, it has been classified as a Variant of Uncertain Significance.